The following is an entry in ClinVar:

NM_004640.7(DDX39B):c.217C>T (p.His73Tyr)

Genes: ATP6V1G2-DDX39B (ATP6V1G2-DDX39B readthrough (NMD candidate); minus strand), DDX39B (DExD-box helicase 39B; minus strand). Cytogenetic location: 6p21.33.
Variant type: single nucleotide variant.
Coding change: c.217C>T on transcript NM_004640.7 (MANE Select); coding-DNA position 217, C replaced by T.
Protein change: p.His73Tyr; replaces histidine 73 with tyrosine.
Molecular consequence: missense variant. On other transcripts: non-coding transcript variant (1).
Genome position (GRCh38, 1-based): chr6:31,539,269, G>A on the plus strand (C>T on the coding strand, the complement: DDX39B is on the minus strand). VCF-style: chr6-31539269-G-A. GRCh37 (hg19) VCF-style: chr6-31507046-G-A.
Other names: c.217C>T, p.His73Tyr (NM_080598.6); short protein forms H73Y.
Identifiers: ClinVar variation 3769866 (VCV003769866.1).
Genomic context (GRCh38, chr6:31,539,269, plus strand): 5'-TGCCCGACTTGGCCTGGCACAGGACATCCATTCCCAGAATGGCCTGAGGGATGCACTCAT[G>A]CTGGACTAAAAGTTGGGGGGGGAGGAAGATAAATTAGACTTCAGTCTCCAGATAACTCTA-3'
Protein context (NP_004631.1, residues 63-83): CGFEHPSEVQ[His73Tyr]ECIPQAILGM

ClinVar aggregate classification (germline): Uncertain significance (1 of 4 stars; one submission).

Submission:

GeneDx
Classification: Uncertain significance. Last evaluated: 2023-06-28. Review status: criteria provided, single submitter. Criteria: GeneDx Variant Classification Process June 2021. Collection method: clinical testing. Allele origin: germline. Affected: yes.
Comment: Not observed at significant frequency in large population cohorts (gnomAD); In silico analysis supports that this missense variant has a deleterious effect on protein structure/function; Has not been previously published as pathogenic or benign to our knowledge; Variants in candidate genes are classified as variants of uncertain significance in accordance with ACMG guidelines (Richards et al., 2015)